The following is an entry in ClinVar:

NM_000257.4(MYH7):c.5401G>C (p.Glu1801Gln)

Gene: MYH7 (myosin heavy chain 7; minus strand). Cytogenetic location: 14q11.2.
Variant type: single nucleotide variant.
Coding change: c.5401G>C on transcript NM_000257.4 (MANE Select); coding-DNA position 5401, G replaced by C.
Protein change: p.Glu1801Gln; replaces glutamic acid 1801 with glutamine.
Molecular consequence: missense variant.
Genome position (GRCh38, 1-based): chr14:23,415,153, C>G on the plus strand (G>C on the coding strand, the complement: MYH7 is on the minus strand). VCF-style: chr14-23415153-C-G. GRCh37 (hg19) VCF-style: chr14-23884362-C-G.
Other names: c.5401G>C, p.Glu1801Gln (NM_001407004.1); short protein forms E1801Q.
Identifiers: ClinVar variation 3629786 (VCV003629786.2).
Genomic context (GRCh38, chr14:23,415,153, plus strand): 5'-CCCGCACCCGCGCTTCCAGCTTCTGCAGCTGCTTCTTGCCGCCCTTGAGGGCGATCTGCT[C>G]GGCTTCGTCCAGCCGGTGCTGCAGGTCCTTAATGGTCTGTTCCATGTTCTTCTTCATGCG-3'
Protein context (NP_000248.2, residues 1791-1811): KDLQHRLDEA[Glu1801Gln]QIALKGGKKQ

ClinVar aggregate classification (germline): Uncertain significance (1 of 4 stars; one submission).

Submission:

Women's Health and Genetics/Laboratory Corporation of America, LabCorp
Classification: Uncertain significance. Last evaluated: 2026-04-30. Review status: criteria provided, single submitter. Criteria: LabCorp Variant Classification Summary - May 2015. Collection method: clinical testing. Allele origin: germline.
Comment: Variant summary: MYH7 c.5401G>C (p.Glu1801Gln) results in a conservative amino acid change in the encoded protein sequence. Algorithms developed to predict the effect of missense changes on protein structure and function are either unavailable or do not agree on the potential impact of this missense change. The variant was absent in 251478 control chromosomes. The available data on variant occurrences in the general population are insufficient to allow any conclusion about variant significance. To our knowledge, no occurrence of c.5401G>C in individuals affected with MYH7-related conditions and no experimental evidence demonstrating its impact on protein function have been reported. ClinVar contains an entry for this variant (Variation ID: 3629786). Based on the evidence outlined above, the variant was classified as uncertain significance.